The following is an entry in ClinVar:

ClinVar aggregate classification (germline): Conflicting classifications of pathogenicity. Review status: criteria provided, conflicting classifications (1 of 4 stars). 2 submissions from 2 submitters: Uncertain significance (1); Likely benign (1). Last evaluated 2025-03-11.

Conditions:
Hereditary cancer-predisposing syndrome. Also called: Tumor predisposition; Hereditary neoplastic syndrome; Neoplastic Syndromes, Hereditary; Hereditary Cancer Syndrome. Identifiers: Orphanet 140162, MedGen C0027672, MeSH D009386, MONDO:0015356.

Allele frequency attached by ClinVar (database versions not stated): gnomAD exomes below 0.00001.
gnomAD v4.1: 2 of 1,613,818 alleles (0.00012%); no homozygotes.

Submissions (2):

Ambry Genetics
Classification: Likely benign for Hereditary cancer-predisposing syndrome. Last evaluated: 2025-03-11. Review status: criteria provided, single submitter. Criteria: Ambry Variant Classification Scheme 2023. Collection method: clinical testing. Allele origin: germline.

Labcorp Genetics (formerly Invitae), Labcorp
Classification: Uncertain significance. Last evaluated: 2023-04-08. Review status: criteria provided, single submitter. Criteria: Invitae Variant Classification Sherloc (09022015). Collection method: clinical testing. Allele origin: germline.
Comment: This variant has not been reported in the literature in individuals affected with POLE-related conditions. In summary, the available evidence is currently insufficient to determine the role of this variant in disease. Therefore, it has been classified as a Variant of Uncertain Significance. Advanced modeling of protein sequence and biophysical properties (such as structural, functional, and spatial information, amino acid conservation, physicochemical variation, residue mobility, and thermodynamic stability) performed at Invitae indicates that this missense variant is not expected to disrupt POLE protein function. ClinVar contains an entry for this variant (Variation ID: 847632). This variant is present in population databases (no rsID available, gnomAD 0.01%). This sequence change replaces serine, which is neutral and polar, with alanine, which is neutral and non-polar, at codon 1118 of the POLE protein (p.Ser1118Ala).

NM_006231.4(POLE):c.3352T>G (p.Ser1118Ala)

Gene: POLE (DNA polymerase epsilon, catalytic subunit; minus strand). Cytogenetic location: 12q24.33.
Variant type: single nucleotide variant.
Coding change: c.3352T>G on transcript NM_006231.4 (MANE Select); coding-DNA position 3352, T replaced by G.
Protein change: p.Ser1118Ala; replaces serine 1118 with alanine.
Molecular consequence: missense variant.
Genome position (GRCh38, 1-based): chr12:132,657,894, A>C on the plus strand (T>G on the coding strand, the complement: POLE is on the minus strand). VCF-style: chr12-132657894-A-C. GRCh37 (hg19) VCF-style: chr12-133234480-A-C.
Other names: c.3352T>G (NM_006231.2); short protein forms S1118A.
Identifiers: ClinVar variation 847632 (VCV000847632.10), dbSNP rs1438842147, ClinGen allele CA387389630.
Genomic context (GRCh38, chr12:132,657,894, plus strand): 5'-ACTTTTAAGAGTAGAGAACGCAACTGGCACTCACTGCTCGAATATCAAAGTCTTGAAGGG[A>C]AGAGCTCTTGAGCCATTTCCGGAGAAAGTGCTTCCTCACCGTGGGCTCTGCTTGGAAAAT-3'
Protein context (NP_006222.2, residues 1108-1128): HFLRKWLKSS[Ser1118Ala]LQDFDIRAIL